The following is an entry in ClinVar:

NM_015443.4(KANSL1):c.2322A>G (p.Pro774=)

Gene: KANSL1 (KAT8 regulatory NSL complex subunit 1). Cytogenetic location: 17q21.31.
Variant type: single nucleotide variant.
Coding change: c.2322A>G on transcript NM_015443.4 (MANE Select); coding-DNA position 2322, A replaced by G.
Protein change: p.Pro774=; no amino-acid change (proline 774 retained).
Molecular consequence: synonymous variant.
Genome position (GRCh38, 1-based): chr17:46,039,097, T>C on the plus strand (A>G on the coding strand, the complement: KANSL1 is on the minus strand). VCF-style: chr17-46039097-T-C. GRCh37 (hg19) VCF-style: chr17-44116463-T-C.
Other names: c.2322A>G, p.Pro774= (NM_001193465.2, NM_001193466.2, NM_001379198.1).
Identifiers: ClinVar variation 384078 (VCV000384078.13), dbSNP rs765777662, ClinGen allele CA8618602.

ClinVar aggregate classification (germline): Likely benign. Review status: criteria provided, multiple submitters, no conflicts (2 of 4 stars). 3 submissions from 3 submitters: Likely benign (3). Last evaluated 2026-06-01.

Conditions:
Koolen-de Vries syndrome (KDVS). Identifiers: Orphanet 96169, MedGen C1864871, MONDO:0012496, OMIM 610443.

Allele frequency attached by ClinVar (database versions not stated): gnomAD exomes 0.00001 and 0.00003; ExAC 0.00003; gnomAD 0.00003 and 0.00004; TOPMed 0.00004.
gnomAD v4.1: 18 of 1,612,472 alleles (0.0011%); highest among the groups gnomAD compares: Admixed American, 0.022%; no homozygotes.

Submissions (3):

CeGaT Center for Human Genetics Tuebingen
Classification: Likely benign. Last evaluated: 2026-06-01. Review status: criteria provided, single submitter. Criteria: CeGaT Center For Human Genetics Tuebingen Variant Classification Criteria Version 2. Collection method: clinical testing. Allele origin: germline. Affected: yes. Observed: 1 variant allele.
Comment: KANSL1: BP4, BP7

Labcorp Genetics (formerly Invitae), Labcorp
Classification: Likely benign for Koolen-de Vries syndrome. Last evaluated: 2025-09-02. Review status: criteria provided, single submitter. Criteria: Invitae Variant Classification Sherloc (09022015). Collection method: clinical testing. Allele origin: germline.

GeneDx
Classification: Likely benign. Last evaluated: 2017-05-12. Review status: criteria provided, single submitter. Criteria: GeneDx Variant Classification (06012015). Collection method: clinical testing. Allele origin: germline. Affected: yes.
Comment: This variant is considered likely benign or benign based on one or more of the following criteria: it is a conservative change, it occurs at a poorly conserved position in the protein, it is predicted to be benign by multiple in silico algorithms, and/or has population frequency not consistent with disease.